The following is an entry in ClinVar:

ClinVar aggregate classification (germline): Uncertain significance (1 of 4 stars; one submission).

Conditions:
Hereditary cancer-predisposing syndrome. Also called: Hereditary neoplastic syndrome; Tumor predisposition; Hereditary Cancer Syndrome; Neoplastic Syndromes, Hereditary. Identifiers: Orphanet 140162, MedGen C0027672, MeSH D009386, MONDO:0015356.

Submission:

Ambry Genetics
Classification: Uncertain significance for Hereditary cancer-predisposing syndrome. Last evaluated: 2023-09-14. Review status: criteria provided, single submitter. Criteria: Ambry Variant Classification Scheme 2023. Collection method: clinical testing. Allele origin: germline.
Comment: The p.V79I variant (also known as c.235G>A), located in coding exon 3 of the POT1 gene, results from a G to A substitution at nucleotide position 235. The valine at codon 79 is replaced by isoleucine, an amino acid with highly similar properties. This amino acid position is conserved. In addition, this alteration is predicted to be tolerated by in silico analysis. Since supporting evidence is limited at this time, the clinical significance of this alteration remains unclear.

NM_015450.3(POT1):c.235G>A (p.Val79Ile)

Gene: POT1 (protection of telomeres 1; minus strand). Cytogenetic location: 7q31.33.
Variant type: single nucleotide variant.
Coding change: c.235G>A on transcript NM_015450.3 (MANE Select); coding-DNA position 235, G replaced by A.
Protein change: p.Val79Ile; replaces valine 79 with isoleucine.
Molecular consequence: missense variant. On other transcripts: non-coding transcript variant (3), intron variant (1).
Genome position (GRCh38, 1-based): chr7:124,870,931, C>T on the plus strand (G>A on the coding strand, the complement: POT1 is on the minus strand). VCF-style: chr7-124870931-C-T. GRCh37 (hg19) VCF-style: chr7-124510985-C-T.
Other names: c.-138-7291G>A (NM_001042594.2); short protein forms V79I.
Identifiers: ClinVar variation 2585771 (VCV002585771.2), dbSNP rs2485504690, ClinGen allele CA369061331.
Genomic context (GRCh38, chr7:124,870,931, plus strand): 5'-TCTTCAAATAAATATAAGTTCTAGACAATATGAATTATACCTTCAGCCTGTGAAAGCGAA[C>T]AATATCTCCATTTTTATAAATTATTGGAAGGGCTTCATAGTTTCCACTAAAGAGCAGGCA-3'
Protein context (NP_056265.2, residues 69-89): LPIIYKNGDI[Val79Ile]RFHRLKIQVY